The following is an entry in ClinVar:

ClinVar aggregate classification (germline): Conflicting classifications of pathogenicity. Review status: criteria provided, conflicting classifications (1 of 4 stars). 14 submissions from 14 submitters: Uncertain significance (6); Benign (3); Likely benign (4). 1 of the submissions does not count toward it. Last evaluated 2026-09-02.

Conditions:
Autoinflammatory syndrome. Identifiers: Orphanet 93665, MedGen C3890737, MONDO:0019751.
Cryopyrin associated periodic syndrome (CAPS). Identifiers: Orphanet 208650, MedGen C2316212, MONDO:0016168.
NLRP3-related disorder. Also called: NLRP3-related condition; NLRP3-Related Disorders.
Hearing loss, autosomal dominant 34, with or without inflammation. Also called: DEAFNESS, AUTOSOMAL DOMINANT 34, WITH OR WITHOUT INFLAMMATION. Identifiers: MedGen C4521680, MONDO:0033261, OMIM 617772.
Familial cold autoinflammatory syndrome 1 (FCAS1). Also called: Familial cold inflammatory syndrome 1; CRYOPYRIN-ASSOCIATED PERIODIC SYNDROME 1. Identifiers: Orphanet 47045, MedGen C4551895, MONDO:0007349, OMIM 120100.
Familial amyloid nephropathy with urticaria AND deafness (MWS). Also called: UDA SYNDROME; URTICARIA-DEAFNESS-AMYLOIDOSIS SYNDROME; MUCKLE-WELLS SYNDROME; Urticaria, deafness and amyloidosis; CRYOPYRIN-ASSOCIATED PERIODIC SYNDROME 2. Identifiers: Orphanet 575, MedGen C0268390, MONDO:0008633, OMIM 191900.
Chronic infantile neurological, cutaneous and articular syndrome (CINCA). Also called: Prieur Griscelli syndrome; CRYOPYRIN-ASSOCIATED PERIODIC SYNDROME 3; CINCA syndrome; CHRONIC NEUROLOGIC CUTANEOUS AND ARTICULAR SYNDROME. Identifiers: Orphanet 1451, MedGen C0409818, MONDO:0011776, OMIM 607115.
Keratitis fugax hereditaria. Also called: KERATOENDOTHELIITIS FUGAX HEREDITARIA. Identifiers: Orphanet 647815, MedGen C1835697, MONDO:0007849, OMIM 148200.
Hearing impairment. Also called: Impaired Hearing. Identifiers: MedGen C1384666, MONDO:0005365, HP:0000365.

Allele frequency attached by ClinVar (database versions not stated): 1000 Genomes Project 30x 0.00016; 1000 Genomes Project 0.00020; TOPMed 0.00062; gnomAD 0.00066 and 0.00070; gnomAD exomes 0.00103; ESP Exome Variant Server 0.00115.
gnomAD v4.1: 1,588 of 1,612,508 alleles (0.098%); highest among the groups gnomAD compares: Non-Finnish European, 0.13%; no homozygotes.

Submissions (14):

PreventionGenetics, part of Exact Sciences
Classification: Uncertain significance for NLRP3-related condition. Last evaluated: 2026-09-02. Review status: criteria provided, single submitter. Criteria: ACMG Guidelines, 2015. Collection method: clinical testing. Allele origin: germline.
Comment: The NLRP3 c.1469G>A variant is predicted to result in the amino acid substitution p.Arg490Lys. This variant, previously reported as p.Arg488Lys, has been reported in unaffected individuals, individuals with atypical inflammatory syndrome and an individual with familial cold autoinflammatory syndrome/FACS (Haverkamp et al 2014. PubMed ID: 24773462; Arostegui et al 2004. PubMed ID: 15593220; Kuemmerle-Deschner et al 2017. PubMed ID: 28692792). The c.1469G>A variant has been reported with low penetrance, is found in 0.12% of Non-Finnish Europeans and has been interpreted as likely benign and uncertain in the ClinVar database (Variation ID: 97934). At this time, the clinical significance of this variant is uncertain due to the absence of conclusive functional and genetic evidence.

CeGaT Center for Human Genetics Tuebingen
Classification: Benign. Last evaluated: 2026-06-01. Review status: criteria provided, single submitter. Criteria: CeGaT Center For Human Genetics Tuebingen Variant Classification Criteria Version 2. Collection method: clinical testing. Allele origin: germline. Affected: yes. Observed: 10 variant alleles.
Comment: NLRP3: BS1, BS2

Labcorp Genetics (formerly Invitae), Labcorp
Classification: Likely benign for Cryopyrin associated periodic syndrome. Last evaluated: 2026-02-01. Review status: criteria provided, single submitter. Criteria: Invitae Variant Classification Sherloc (09022015). Collection method: clinical testing. Allele origin: germline.

GeneDx
Classification: Uncertain significance. Last evaluated: 2025-10-02. Review status: criteria provided, single submitter. Criteria: GeneDx Variant Classification Process June 2021. Collection method: clinical testing. Allele origin: germline. Affected: yes.
Comment: Reported in the heterozygous state in non-CAPS (cryopyrin-associated periodic syndromes) individuals with atypical inflammatory symptoms, and in an individual with familial cold autoinflammatory syndrome (FCAS); heterozygous unaffected family members were also detected (PMID: 15593220, 17393462, 24773462); In silico analysis suggests that this missense variant does not alter protein structure/function; Also known as p.(R488K); This variant is associated with the following publications: (PMID: 26984802, 24773462, 17393462, 29922587, 29077208, 28692792, 33329557, 34426522, 33989670, 33207704, 32707200, 30476936, 36586411, 36927399, Blank2021[paper], 35729334, 33401496, 31874111, 35753512, 34596024, 34014414, O'Sullivan2021[paper], 35621220, 19302049, 15593220, 39930093)

Mayo Clinic Laboratories, Mayo Clinic
Classification: Uncertain significance. Last evaluated: 2025-08-07. Review status: criteria provided, single submitter. Criteria: ACMG Guidelines, 2015. Collection method: clinical testing. Allele origin: germline. Observed: 3 variant alleles.
Comment: BS2

ARUP Laboratories, Molecular Genetics and Genomics, ARUP Laboratories
Classification: Uncertain significance. Last evaluated: 2025-06-26. Review status: criteria provided, single submitter. Criteria: ARUP Molecular Germline Variant Investigation Process 2024. Collection method: clinical testing. Allele origin: germline.
Comment: The NLRP3 c.1469G>A; p.Arg490Lys variant (rs145268073, ClinVar Variation ID: 97934), also known as Arg488Lys, is published in the medical literature in several individuals with cryopyrin-associated periodic syndrome (CAPS) or Muckle-Wells syndrome as well as unaffected family members (Arostegui 2004, de Jesus 2020, Haverkamp 2014, Kuemmerle-Deschner 2017, Rae 2018, Rowczenio 2013, Torres 2018). The variant has been implicated as a low penetrance variant that shows variable expressivity (Kuemmerle-Deschner 2017, Rowczenio 2013). The variant is found in the general population with an allele frequency of 0.07% (188/281,098 alleles) in the Genome Aggregation Database (v2.1.1). Computational analyses are uncertain whether this variant is neutral or deleterious (REVEL: 0.591). Functional analyses suggest that the variant protein increases NLRP3 stability, disrupting negative regulation of the inflammasome (Wang 2023). Due to limited information, the clinical significance of the p.Arg490Lys variant is uncertain at this time. References: Arostegui JI et al. Clinical and genetic heterogeneity among Spanish patients with recurrent autoinflammatory syndromes associated with the CIAS1/PYPAF1/NALP3 gene. Arthritis Rheum. 2004 Dec;50(12):4045-50. PMID: 15593220. de Jesus AA et al. Distinct interferon signatures and cytokine patterns define additional systemic autoinflammatory diseases. J Clin Invest. 2020 Apr 1;130(4):1669-1682. PMID: 31874111. Haverkamp MH et al. Impaired cytokine responses in patients with cryopyrin-associated periodic syndrome (CAPS). Clin Exp Immunol. 2014 Sep;177(3):720-31. PMID: 24773462. Kuemmerle-Deschner JB et al. Clinical and Molecular Phenotypes of Low-Penetrance Variants of NLRP3: Diagnostic and Therapeutic Challenges. Arthritis Rheumatol. 2017 Nov;69(11):2233-2240. PMID: 28692792. Rae W et al. Clinical efficacy of a next-generation sequencing gene panel for primary immunodeficiency diagnostics. Clin Genet. 2018 Mar;93(3):647-655. PMID: 29077208. Rowczenio DM et al. Clinical characteristics in subjects with NLRP3 V198M diagnosed at a single UK center and a review of the literature. Arthritis Res Ther. 2013 Feb 19;15(1):R30. PMID: 23421920. Torres A et al. De novo ATP1A3 and compound heterozygous NLRP3 mutations in a child with autism spectrum disorder, episodic fatigue and somnolence, and muckle-wells syndrome. Mol Genet Metab Rep. 2018 Jun 15;16:23-29. PMID: 29922587. Wang L et al. Palmitoylation prevents sustained inflammation by limiting NLRP3 inflammasome activation through chaperone-mediated autophagy. Mol Cell. 2023 Jan 19;83(2):281-297.e10. PMID: 36586411.

Women's Health and Genetics/Laboratory Corporation of America, LabCorp
Classification: Likely benign. Last evaluated: 2025-03-03. Review status: criteria provided, single submitter. Criteria: LabCorp Variant Classification Summary - May 2015. Collection method: clinical testing. Allele origin: germline.

Laboratory of Genetics, Children's Clinical University Hospital Latvia
Classification: Benign. Last evaluated: 2025-02-16. Review status: criteria provided, single submitter. Criteria: ACMG Guidelines, 2015. Collection method: clinical testing. Allele origin: germline. Affected: yes.

Blueprint Genetics
Classification: Likely benign. Last evaluated: 2024-11-22. Review status: criteria provided, single submitter. Criteria: ACMG Guidelines, 2015. Collection method: clinical testing. Allele origin: germline.

Fulgent Genetics
Classification: Uncertain significance for Familial cold autoinflammatory syndrome 1; Keratitis fugax hereditaria; Familial amyloid nephropathy with urticaria AND deafness; Chronic infantile neurological, cutaneous and articular syndrome; Hearing loss, autosomal dominant 34, with or without inflammation. Last evaluated: 2024-06-12. Review status: criteria provided, single submitter. Criteria: ACMG Guidelines, 2015. Collection method: clinical testing. Allele origin: germline.

Department of Otolaryngology – Head & Neck Surgery, Cochlear Implant Center
Classification: Benign for Hearing impairment. Last evaluated: 2021-04-12. Review status: criteria provided, single submitter. Criteria: ClinGen HL ACMG Specifications v1. Collection method: clinical testing. Allele origin: germline. Affected: yes.
Comment: BS1_Strong, BS2_Strong, BP4_Supporting

Genome Diagnostics Laboratory, The Hospital for Sick Children
Classification: Uncertain significance for Autoinflammatory syndrome. Last evaluated: 2021-03-22. Review status: criteria provided, single submitter. Criteria: ACMG Guidelines, 2015. Collection method: clinical testing. Allele origin: germline. Affected: yes.

Illumina Laboratory Services, Illumina
Classification: Likely benign for Familial cold autoinflammatory syndrome 1. Last evaluated: 2017-04-27. Review status: criteria provided, single submitter. Criteria: ICSL Variant Classification Criteria 13 December 2019. Collection method: clinical testing. Allele origin: germline.
Comment: This variant was observed as part of a predisposition screen in an ostensibly healthy population. A literature search was performed for the gene, cDNA change, and amino acid change (where applicable). No publications were found based on this search. Allele frequency data from public databases allowed determination this variant is unlikely to cause disease. Therefore, this variant is classified as likely benign.

Unité médicale des maladies autoinflammatoires, CHRU Montpellier
No classification provided. Condition: Familial cold urticaria. Review status: no classification provided. Collection method: not provided. Allele origin: unknown. Not counted in ClinVar's aggregate classification.
Comment: also involved in OMIM 191900 and 607115

Literature cited by the submitters: PubMed 15593220 (cited by Mayo Clinic Laboratories, Mayo Clinic); PubMed 17393462 (cited by Mayo Clinic Laboratories, Mayo Clinic); PubMed 23421920 (cited by Mayo Clinic Laboratories, Mayo Clinic); PubMed 24773462 (cited by Mayo Clinic Laboratories, Mayo Clinic); PubMed 28692792 (cited by Mayo Clinic Laboratories, Mayo Clinic); PubMed 29077208 (cited by Mayo Clinic Laboratories, Mayo Clinic); PubMed 29599418 (cited by Mayo Clinic Laboratories, Mayo Clinic); PubMed 29922587 (cited by Mayo Clinic Laboratories, Mayo Clinic and Department of Otolaryngology – Head & Neck Surgery, Cochlear Implant Center); PubMed 32707200 (cited by Mayo Clinic Laboratories, Mayo Clinic); PubMed 35753512 (cited by Mayo Clinic Laboratories, Mayo Clinic); PubMed 39930093 (cited by Mayo Clinic Laboratories, Mayo Clinic).

NM_001243133.2(NLRP3):c.1463G>A (p.Arg488Lys)

Gene: NLRP3 (NLR family pyrin domain containing 3; plus strand). Cytogenetic location: 1q44.
Variant type: single nucleotide variant.
Coding change: c.1463G>A on transcript NM_001243133.2 (MANE Select); coding-DNA position 1463, G replaced by A.
Protein change: p.Arg488Lys; replaces arginine 488 with lysine.
Molecular consequence: missense variant.
Genome position (GRCh38, 1-based): chr1:247,424,912, G>A. VCF-style: chr1-247424912-G-A. GRCh37 (hg19) VCF-style: chr1-247588214-G-A.
Other names: c.1463G>A, p.Arg488Lys (NM_001079821.3, NM_001127461.3, NM_001127462.3 and 1 more transcripts); c.1469G>A, p.Arg490Lys (NM_004895.5); short protein forms R490K, R488K.
Identifiers: ClinVar variation 97934 (VCV000097934.86), dbSNP rs145268073, ClinGen allele CA281217.